The following is an entry in ClinVar:

NM_033026.6(PCLO):c.6259A>G (p.Ile2087Val)

Gene: PCLO (piccolo presynaptic cytomatrix protein; minus strand). Cytogenetic location: 7q21.11.
Variant type: single nucleotide variant.
Coding change: c.6259A>G on transcript NM_033026.6 (MANE Select); coding-DNA position 6259, A replaced by G.
Protein change: p.Ile2087Val; replaces isoleucine 2087 with valine.
Molecular consequence: missense variant.
Genome position (GRCh38, 1-based): chr7:82,954,694, T>C on the plus strand (A>G on the coding strand, the complement: PCLO is on the minus strand). VCF-style: chr7-82954694-T-C. GRCh37 (hg19) VCF-style: chr7-82584010-T-C.
Other names: c.6259A>G, p.Ile2087Val (NM_014510.3); short protein forms I2087V.
Identifiers: ClinVar variation 1471552 (VCV001471552.8), dbSNP rs1795463147, ClinGen allele CA367920093.
Genomic context (GRCh38, chr7:82,954,694, plus strand): 5'-TCAAAGAGGCATCTGGCATTCTGTCAAAGTCCATGGTGGACTCTGTCATATCCTCACCAA[T>C]GGGGGCCTGGGTTGGGCTAGATCCAGGTGTTAATTGCATCTGTTGCCTCTTCATAAGTTC-3'
Protein context (NP_149015.2, residues 2077-2097): TPGSSPTQAP[Ile2087Val]GEDMTESTMD

ClinVar aggregate classification (germline): Uncertain significance (1 of 4 stars; one submission).

Allele frequency attached by ClinVar (database versions not stated): TOPMed below 0.00001.

Submission:

Labcorp Genetics (formerly Invitae), Labcorp
Classification: Uncertain significance. Last evaluated: 2021-04-28. Review status: criteria provided, single submitter. Criteria: Invitae Variant Classification Sherloc (09022015). Collection method: clinical testing. Allele origin: germline.
Comment: In summary, the available evidence is currently insufficient to determine the role of this variant in disease. Therefore, it has been classified as a Variant of Uncertain Significance. Algorithms developed to predict the effect of missense changes on protein structure and function output the following: SIFT: "Tolerated"; PolyPhen-2: "Not Available"; Align-GVGD: "Class C0". The valine amino acid residue is found in multiple mammalian species, suggesting that this missense change does not adversely affect protein function. These predictions have not been confirmed by published functional studies and their clinical significance is uncertain. This variant has not been reported in the literature in individuals with PCLO-related conditions. This variant is not present in population databases (ExAC no frequency). This sequence change replaces isoleucine with valine at codon 2087 of the PCLO protein (p.Ile2087Val). The isoleucine residue is weakly conserved and there is a small physicochemical difference between isoleucine and valine.